The following is an entry in ClinVar:

NM_001329943.3(KIAA0586):c.12dup (p.Glu5Ter)

Gene: KIAA0586 (KIAA0586; plus strand). Cytogenetic location: 14q23.1.
Variant type: Duplication.
Coding change: c.12dup on transcript NM_001329943.3 (MANE Select); coding-DNA position 12, one base duplicated (T; older notation c.12dupT).
Protein change: p.Glu5Ter; replaces glutamic acid 5 with a stop codon.
Molecular consequence: nonsense. On other transcripts: 5 prime UTR variant (1), intron variant (5).
Genome position (GRCh38, 1-based): chr14:58,428,276, T duplicated. VCF-style (leftmost placement, unchanged base first): chr14-58428275-C-CT. GRCh37 (hg19) VCF-style: chr14-58894993-C-CT.
Other names: c.48dupT (NM_001244189.2); c.48dup, p.Glu17Ter (NM_001244189.2); c.-34dup (NM_001244190.2); c.12dup, p.Glu5Ter (NM_001329944.2, NM_001329946.2, NM_001329947.2 and 1 more transcripts); c.-57+639dup (NM_001244192.2, NM_001244191.2); c.-57+463dup (NM_001364701.2, NM_001329945.2, NM_001364700.1); short protein forms E5*, E17*.
Identifiers: ClinVar variation 2085377 (VCV002085377.6), dbSNP rs778986624, ClinGen allele CA7205245.

ClinVar aggregate classification (germline): Pathogenic/Likely pathogenic. Review status: criteria provided, multiple submitters, no conflicts (2 of 4 stars). 3 submissions from 3 submitters: Pathogenic (1); Likely pathogenic (2). Last evaluated 2025-05-29.

Conditions:
Short-rib thoracic dysplasia 14 with polydactyly (SRTD14). Identifiers: Orphanet 397715, MedGen C4225286, MONDO:0014688, OMIM 616546.
Joubert syndrome 23 (JBTS23). Identifiers: Orphanet 475, MedGen C4084822, MONDO:0014664, OMIM 616490.
KIAA0586-related disorder. Also called: KIAA0586- Related disorders; KIAA0586-related condition.

Allele frequency attached by ClinVar (database versions not stated): TOPMed 0.00001; gnomAD exomes 0.00002; ExAC 0.00003.

Submissions (3):

First Genomix Gene Laboratory, Genetic Diagnostics Department
Classification: Likely pathogenic for Joubert syndrome 23; Short-rib thoracic dysplasia 14 with polydactyly. Last evaluated: 2025-05-29. Review status: criteria provided, single submitter. Criteria: ACMG Guidelines, 2015. Collection method: clinical testing. Allele origin: germline. Inheritance: Autosomal recessive inheritance. Affected: no. Observed: 1 variant allele.

Labcorp Genetics (formerly Invitae), Labcorp
Classification: Pathogenic for Joubert syndrome 23; Short-rib thoracic dysplasia 14 with polydactyly. Last evaluated: 2024-08-23. Review status: criteria provided, single submitter. Criteria: Invitae Variant Classification Sherloc (09022015). Collection method: clinical testing. Allele origin: germline.
Comment: This sequence change creates a premature translational stop signal (p.Glu17*) in the KIAA0586 gene. It is expected to result in an absent or disrupted protein product. Loss-of-function variants in KIAA0586 are known to be pathogenic (PMID: 26096313, 26166481, 26386044). This variant is present in population databases (rs778986624, gnomAD 0.02%). This variant has not been reported in the literature in individuals affected with KIAA0586-related conditions. ClinVar contains an entry for this variant (Variation ID: 2085377). For these reasons, this variant has been classified as Pathogenic.

Blueprint Genetics
Classification: Likely pathogenic for KIAA0586-related disorders. Last evaluated: 2022-03-18. Review status: criteria provided, single submitter. Criteria: ACMG Guidelines, 2015. Collection method: clinical testing. Allele origin: germline. Affected: yes. Observed: 4 variant alleles.

Literature cited by the submitters: PubMed 26096313 (cited by Labcorp Genetics (formerly Invitae), Labcorp); PubMed 26166481 (cited by Labcorp Genetics (formerly Invitae), Labcorp); PubMed 26386044 (cited by Labcorp Genetics (formerly Invitae), Labcorp).